The following is an entry in ClinVar:

NM_004606.5(TAF1):c.1390C>T (p.Pro464Ser)

Gene: TAF1 (TATA-box binding protein associated factor 1; plus strand). Cytogenetic location: Xq13.1.
Variant type: single nucleotide variant.
Coding change: c.1390C>T on transcript NM_004606.5 (MANE Select); coding-DNA position 1390, C replaced by T.
Protein change: p.Pro464Ser; replaces proline 464 with serine.
Molecular consequence: missense variant. On other transcripts: non-coding transcript variant (9).
Genome position (GRCh38, 1-based): chrX:71,381,772, C>T. VCF-style: chrX-71381772-C-T. GRCh37 (hg19) VCF-style: chrX-70601622-C-T.
Other names: c.1390C>T, p.Pro464Ser (NM_001440852.1, NM_001440853.1, NM_001286074.2); c.1327C>T, p.Pro443Ser (NM_001440854.1, NM_138923.4); c.1450C>T (NM_001286074.1); short protein forms P443S, P464S.
Identifiers: ClinVar variation 4527326 (VCV004527326.2).

ClinVar aggregate classification (germline): Uncertain significance. Review status: criteria provided, multiple submitters, no conflicts (2 of 4 stars). 2 submissions from 2 submitters: Uncertain significance (2). Last evaluated 2025-04-21.

Conditions:
TAF1-related disorder. Also called: TAF1-related condition.

Submissions (2):

GeneDx
Classification: Uncertain significance. Last evaluated: 2025-04-21. Review status: criteria provided, single submitter. Criteria: GeneDx Variant Classification Process June 2021. Collection method: clinical testing. Allele origin: germline. Affected: yes.
Comment: Not observed at significant frequency in large population cohorts (gnomAD); In silico analysis indicates that this missense variant does not alter protein structure/function; Has not been previously published as pathogenic or benign to our knowledge

PreventionGenetics, part of Exact Sciences
Classification: Uncertain significance for TAF1-related condition. Last evaluated: 2025-02-28. Review status: criteria provided, single submitter. Criteria: ACMG Guidelines, 2015. Collection method: clinical testing. Allele origin: germline.
Comment: The TAF1 c.1450C>T variant is predicted to result in the amino acid substitution p.Pro484Ser. To our knowledge, this variant has not been reported in the literature or in a large population database (gnomAD), indicating this variant is rare. At this time, the clinical significance of this variant is uncertain due to the absence of conclusive functional and genetic evidence.